The following is an entry in ClinVar:

NM_007074.4(CORO1A):c.259A>G (p.Ile87Val)

Gene: CORO1A (coronin 1A; plus strand). Cytogenetic location: 16p11.2.
Variant type: single nucleotide variant.
Coding change: c.259A>G on transcript NM_007074.4 (MANE Select); coding-DNA position 259, A replaced by G.
Protein change: p.Ile87Val; replaces isoleucine 87 with valine.
Molecular consequence: missense variant.
Genome position (GRCh38, 1-based): chr16:30,186,658, A>G. VCF-style: chr16-30186658-A-G. GRCh37 (hg19) VCF-style: chr16-30197979-A-G.
Other names: c.259A>G, p.Ile87Val (NM_001193333.3); short protein forms I87V.
Identifiers: ClinVar variation 1406340 (VCV001406340.11), dbSNP rs2151062377, ClinGen allele CA395492052.

ClinVar aggregate classification (germline): Uncertain significance (1 of 4 stars; one submission).

Conditions:
Severe combined immunodeficiency due to CORO1A deficiency. Also called: IMMUNODEFICIENCY 8 WITH LYMPHOPROLIFERATION; Immunodeficiency 8. Identifiers: Orphanet 228003, MedGen C3809383, MONDO:0014168, OMIM 615401.

gnomAD v4.1: 1 of 1,613,380 alleles (0.000062%); highest among the groups gnomAD compares: Non-Finnish European, 0.000085%; no homozygotes.

Submission:

Labcorp Genetics (formerly Invitae), Labcorp
Classification: Uncertain significance for Severe combined immunodeficiency due to CORO1A deficiency. Last evaluated: 2021-03-26. Review status: criteria provided, single submitter. Criteria: Invitae Variant Classification Sherloc (09022015). Collection method: clinical testing. Allele origin: germline.
Comment: In summary, the available evidence is currently insufficient to determine the role of this variant in disease. Therefore, it has been classified as a Variant of Uncertain Significance. Algorithms developed to predict the effect of missense changes on protein structure and function (SIFT, PolyPhen-2, Align-GVGD) all suggest that this variant is likely to be tolerated, but these predictions have not been confirmed by published functional studies and their clinical significance is uncertain. This variant has not been reported in the literature in individuals with CORO1A-related conditions. This variant is not present in population databases (ExAC no frequency). This sequence change replaces isoleucine with valine at codon 87 of the CORO1A protein (p.Ile87Val). The isoleucine residue is moderately conserved and there is a small physicochemical difference between isoleucine and valine.